The following is an entry in ClinVar:

ClinVar aggregate classification (germline): Uncertain significance (1 of 4 stars; one submission).

Conditions:
Neurofibromatosis, type 1 (NF1). Also called: VON RECKLINGHAUSEN DISEASE; Neurofibromatosis, type I; NEUROFIBROMATOSIS, TYPE I, SOMATIC; Peripheral type neurofibromatosis. Identifiers: Orphanet 636, MedGen C0027831, MONDO:0018975, OMIM 162200. Disease mechanism: loss of function.

Allele frequency attached by ClinVar (database versions not stated): gnomAD exomes below 0.00001; ExAC 0.00001.

Submission:

Labcorp Genetics (formerly Invitae), Labcorp
Classification: Uncertain significance for Neurofibromatosis, type 1. Last evaluated: 2023-05-15. Review status: criteria provided, single submitter. Criteria: Invitae Variant Classification Sherloc (09022015). Collection method: clinical testing. Allele origin: germline.
Comment: This sequence change replaces proline, which is neutral and non-polar, with alanine, which is neutral and non-polar, at codon 931 of the NF1 protein (p.Pro931Ala). This variant is present in population databases (rs764290369, gnomAD 0.0009%). This variant has not been reported in the literature in individuals affected with NF1-related conditions. ClinVar contains an entry for this variant (Variation ID: 1396862). Advanced modeling of protein sequence and biophysical properties (such as structural, functional, and spatial information, amino acid conservation, physicochemical variation, residue mobility, and thermodynamic stability) has been performed at Invitae for this missense variant, however the output from this modeling did not meet the statistical confidence thresholds required to predict the impact of this variant on NF1 protein function. In summary, the available evidence is currently insufficient to determine the role of this variant in disease. Therefore, it has been classified as a Variant of Uncertain Significance.

NM_001042492.3(NF1):c.2791C>G (p.Pro931Ala)

Gene: NF1 (neurofibromin 1; plus strand). Cytogenetic location: 17q11.2.
Variant type: single nucleotide variant.
Coding change: c.2791C>G on transcript NM_001042492.3 (MANE Select); coding-DNA position 2791, C replaced by G.
Protein change: p.Pro931Ala; replaces proline 931 with alanine.
Molecular consequence: missense variant.
Genome position (GRCh38, 1-based): chr17:31,229,406, C>G. VCF-style: chr17-31229406-C-G. GRCh37 (hg19) VCF-style: chr17-29556424-C-G.
Other names: c.2791C>G, p.Pro931Ala (NM_000267.4); short protein forms P931A.
Identifiers: ClinVar variation 1396862 (VCV001396862.6), dbSNP rs764290369, ClinGen allele CA8486025.